The following is an entry in ClinVar:

NM_002618.4(PEX13):c.393G>T (p.Gln131His)

Gene: PEX13 (peroxisomal biogenesis factor 13; plus strand). Cytogenetic location: 2p15.
Variant type: single nucleotide variant.
Coding change: c.393G>T on transcript NM_002618.4 (MANE Select); coding-DNA position 393, G replaced by T.
Protein change: p.Gln131His; replaces glutamine 131 with histidine.
Molecular consequence: missense variant.
Genome position (GRCh38, 1-based): chr2:61,031,719, G>T. VCF-style: chr2-61031719-G-T. GRCh37 (hg19) VCF-style: chr2-61258854-G-T.
Other names: short protein forms Q131H.
Identifiers: ClinVar variation 3669513 (VCV003669513.2).

ClinVar aggregate classification (germline): Uncertain significance (1 of 4 stars; one submission).

Conditions:
Peroxisome biogenesis disorder 11A (Zellweger). Also called: Peroxisome biogenesis disorder 11A. Identifiers: Orphanet 912, MedGen C3554000, MONDO:0013949, OMIM 614883.

gnomAD v4.1: 2 of 1,614,190 alleles (0.00012%); highest among the groups gnomAD compares: Non-Finnish European, 0.00017%; no homozygotes.

Submission:

Labcorp Genetics (formerly Invitae), Labcorp
Classification: Uncertain significance for Peroxisome biogenesis disorder 11A (Zellweger). Last evaluated: 2024-05-20. Review status: criteria provided, single submitter. Criteria: Invitae Variant Classification Sherloc (09022015). Collection method: clinical testing. Allele origin: germline.
Comment: This sequence change replaces glutamine, which is neutral and polar, with histidine, which is basic and polar, at codon 131 of the PEX13 protein (p.Gln131His). This variant is not present in population databases (gnomAD no frequency). This variant has not been reported in the literature in individuals affected with PEX13-related conditions. Advanced modeling of protein sequence and biophysical properties (such as structural, functional, and spatial information, amino acid conservation, physicochemical variation, residue mobility, and thermodynamic stability) performed at Invitae indicates that this missense variant is not expected to disrupt PEX13 protein function with a negative predictive value of 80%. In summary, the available evidence is currently insufficient to determine the role of this variant in disease. Therefore, it has been classified as a Variant of Uncertain Significance.